The following is an entry in ClinVar:

NM_018344.6(SLC29A3):c.313A>C (p.Ser105Arg)

Genes: SLC29A3 (solute carrier family 29 member 3; plus strand), LOC105378353 (uncharacterized LOC105378353; minus strand). Cytogenetic location: 10q22.1.
Variant type: single nucleotide variant.
Coding change: c.313A>C on transcript NM_018344.6 (MANE Select); coding-DNA position 313, A replaced by C.
Protein change: p.Ser105Arg; replaces serine 105 with arginine.
Molecular consequence: missense variant.
Genome position (GRCh38, 1-based): chr10:71,344,221, A>C. VCF-style: chr10-71344221-A-C. GRCh37 (hg19) VCF-style: chr10-73103978-A-C.
Other names: c.313A>C, p.Ser105Arg (NM_001174098.2); c.79A>C, p.Ser27Arg (NM_001363518.2); short protein forms S27R, S105R.
Identifiers: ClinVar variation 1375952 (VCV001375952.8), dbSNP rs2131827630, ClinGen allele CA377129544.

ClinVar aggregate classification (germline): Uncertain significance (1 of 4 stars; one submission).

Conditions:
H syndrome. Also called: HISTIOCYTOSIS AND LYMPHADENOPATHY WITH OR WITHOUT CUTANEOUS, CARDIAC, AND/OR ENDOCRINE FEATURES, JOINT CONTRACTURES, AND/OR DEAFNESS; HYPERPIGMENTATION, CUTANEOUS, WITH HYPERTRICHOSIS, HEPATOSPLENOMEGALY, HEART ANOMALIES, AND HYPOGONADISM WITH OR WITHOUT HEARING LOSS; PIGMENTED HYPERTRICHOSIS WITH INSULIN-DEPENDENT DIABETES MELLITUS; ROSAI-DORFMAN DISEASE, FAMILIAL; SINUS HISTIOCYTOSIS AND MASSIVE LYMPHADENOPATHY; Hyperpigmentation, Cutaneous, with Hypertrichosis, Hepatosplenomegaly, Heart Anomalies, Hearing Loss, and Hypogonadism. Identifiers: Orphanet 168569, MedGen C1864445, MONDO:0011273, OMIM 602782.

Submission:

Labcorp Genetics (formerly Invitae), Labcorp
Classification: Uncertain significance for H syndrome. Last evaluated: 2022-08-15. Review status: criteria provided, single submitter. Criteria: Invitae Variant Classification Sherloc (09022015). Collection method: clinical testing. Allele origin: germline.
Comment: Algorithms developed to predict the effect of missense changes on protein structure and function are either unavailable or do not agree on the potential impact of this missense change (SIFT: "Tolerated"; PolyPhen-2: "Probably Damaging"; Align-GVGD: "Class C0"). ClinVar contains an entry for this variant (Variation ID: 1375952). This variant has not been reported in the literature in individuals affected with SLC29A3-related conditions. This variant is not present in population databases (gnomAD no frequency). This sequence change replaces serine, which is neutral and polar, with arginine, which is basic and polar, at codon 105 of the SLC29A3 protein (p.Ser105Arg). In summary, the available evidence is currently insufficient to determine the role of this variant in disease. Therefore, it has been classified as a Variant of Uncertain Significance.